The following is an entry in ClinVar:

ClinVar aggregate classification (germline): Uncertain significance (1 of 4 stars; one submission).

Conditions:
Hereditary nonpolyposis colorectal neoplasms. Identifiers: MedGen C0009405, MeSH D003123.

Submission:

Labcorp Genetics (formerly Invitae), Labcorp
Classification: Uncertain significance for Hereditary nonpolyposis colorectal neoplasms. Last evaluated: 2022-09-08. Review status: criteria provided, single submitter. Criteria: Invitae Variant Classification Sherloc (09022015). Collection method: clinical testing. Allele origin: germline.
Comment: In summary, the available evidence is currently insufficient to determine the role of this variant in disease. Therefore, it has been classified as a Variant of Uncertain Significance. Advanced modeling of protein sequence and biophysical properties (such as structural, functional, and spatial information, amino acid conservation, physicochemical variation, residue mobility, and thermodynamic stability) performed at Invitae indicates that this missense variant is not expected to disrupt PMS2 protein function. This variant has not been reported in the literature in individuals affected with PMS2-related conditions. This variant is not present in population databases (gnomAD no frequency). This sequence change replaces valine, which is neutral and non-polar, with leucine, which is neutral and non-polar, at codon 595 of the PMS2 protein (p.Val595Leu).

NM_000535.7(PMS2):c.1783G>T (p.Val595Leu)

Gene: PMS2 (PMS1 homolog 2, mismatch repair system component; minus strand). Cytogenetic location: 7p22.1.
Variant type: single nucleotide variant.
Coding change: c.1783G>T on transcript NM_000535.7 (MANE Select); coding-DNA position 1783, G replaced by T.
Protein change: p.Val595Leu; replaces valine 595 with leucine.
Molecular consequence: missense variant. On other transcripts: non-coding transcript variant (1).
Genome position (GRCh38, 1-based): chr7:5,986,982, C>A on the plus strand (G>T on the coding strand, the complement: PMS2 is on the minus strand). VCF-style: chr7-5986982-C-A. GRCh37 (hg19) VCF-style: chr7-6026613-C-A.
Other names: c.1378G>T, p.Val460Leu (NM_001018040.1, NM_001322003.2, NM_001322004.2 and 17 more transcripts); c.1627G>T, p.Val543Leu (NM_001322006.2, NM_001406870.1); c.1465G>T, p.Val489Leu (NM_001322007.2, NM_001322008.2, NM_001406876.1 and 2 more transcripts); c.1783G>T, p.Val595Leu (NM_001406871.1, NM_001406872.1, NM_001322014.2); c.1585G>T, p.Val529Leu (NM_001406873.1); c.1615G>T, p.Val539Leu (NM_001406874.1); c.1474G>T, p.Val492Leu (NM_001406875.1, NM_001406877.1, NM_001406878.1 and 5 more transcripts); c.1210G>T, p.Val404Leu (NM_001406909.1, NM_001322013.2); and 12 more; short protein forms V284L, V338L, V437L, V529L, V539L, V543L, V408L, V424L.
Identifiers: ClinVar variation 2107982 (VCV002107982.4), dbSNP rs1171070752, ClinGen allele CA366739873.